The following is an entry in ClinVar:

ClinVar aggregate classification (germline): Benign. Review status: criteria provided, multiple submitters, no conflicts (2 of 4 stars). 2 submissions from 2 submitters: Benign (2). Last evaluated 2018-06-14.

Allele frequency attached by ClinVar (database versions not stated): gnomAD 0.39446 and 0.40174; TOPMed 0.40224; 1000 Genomes Project 30x 0.40584; 1000 Genomes Project 0.40935.
gnomAD v4.1: 61,151 of 152,098 alleles (40%); highest among the groups gnomAD compares: Admixed American, 57%; 13,510 homozygotes.

Submissions (2):

GeneDx
Classification: Benign. Last evaluated: 2018-06-14. Review status: criteria provided, single submitter. Criteria: GeneDx Variant Classification (06012015). Collection method: clinical testing. Allele origin: germline. Affected: yes.
Comment: This variant is considered likely benign or benign based on one or more of the following criteria: it is a conservative change, it occurs at a poorly conserved position in the protein, it is predicted to be benign by multiple in silico algorithms, and/or has population frequency not consistent with disease.

Breakthrough Genomics
Classification: Benign. Review status: criteria provided, single submitter. Criteria: ACMG Guidelines, 2015. Collection method: not provided. Allele origin: germline. Inheritance: Autosomal dominant inheritance. Affected: yes.

NM_000093.5(COL5A1):c.786+182T>G

Gene: COL5A1 (collagen type V alpha 1 chain; plus strand). Cytogenetic location: 9q34.3.
Variant type: single nucleotide variant.
Coding change: c.786+182T>G on transcript NM_000093.5 (MANE Select); 182 bases into the intron after coding-DNA position 786, T replaced by G.
Molecular consequence: intron variant.
Genome position (GRCh38, 1-based): chr9:134,727,579, T>G. VCF-style: chr9-134727579-T-G. GRCh37 (hg19) VCF-style: chr9-137619425-T-G.
Other names: c.786+182T>G (NM_001278074.1).
Identifiers: ClinVar variation 672241 (VCV000672241.2), dbSNP rs3109683, ClinGen allele CA15602244.